The following is an entry in ClinVar:

ClinVar aggregate classification (germline): Uncertain significance. Review status: criteria provided, multiple submitters, no conflicts (2 of 4 stars). 2 submissions from 2 submitters: Uncertain significance (2). Last evaluated 2024-12-12.

Conditions:
Amyotrophic lateral sclerosis type 4 (ALS4). Also called: AMYOTROPHIC LATERAL SCLEROSIS 4, JUVENILE; NEURONOPATHY, DISTAL HEREDITARY MOTOR, WITH PYRAMIDAL FEATURES. Identifiers: Orphanet 357043, MedGen C1865409, MONDO:0011223, OMIM 602433.
Spinocerebellar ataxia, autosomal recessive, with axonal neuropathy 2 (SCAN2). Also called: ATAXIA-OCULOMOTOR APRAXIA 2; Ataxia with Oculomotor Apraxia Type 2; Ataxia with Oculomotor Apraxia; Ataxia-ocular apraxia-2. Identifiers: Orphanet 64753, MedGen C1853761, MONDO:0018996, OMIM 606002.

gnomAD v4.1: 2 of 1,613,580 alleles (0.00012%); highest among the groups gnomAD compares: Admixed American, 0.0017%; no homozygotes.

Submissions (2):

Labcorp Genetics (formerly Invitae), Labcorp
Classification: Uncertain significance for Amyotrophic lateral sclerosis type 4; Spinocerebellar ataxia, autosomal recessive, with axonal neuropathy 2. Last evaluated: 2024-12-12. Review status: criteria provided, single submitter. Criteria: Invitae Variant Classification Sherloc (09022015). Collection method: clinical testing. Allele origin: germline.
Comment: This sequence change replaces leucine, which is neutral and non-polar, with valine, which is neutral and non-polar, at codon 137 of the SETX protein (p.Leu137Val). This variant is not present in population databases (gnomAD no frequency). This variant has not been reported in the literature in individuals affected with SETX-related conditions. Invitae Evidence Modeling of protein sequence and biophysical properties (such as structural, functional, and spatial information, amino acid conservation, physicochemical variation, residue mobility, and thermodynamic stability) indicates that this missense variant is not expected to disrupt SETX protein function with a negative predictive value of 95%. In summary, the available evidence is currently insufficient to determine the role of this variant in disease. Therefore, it has been classified as a Variant of Uncertain Significance.

GeneDx
Classification: Uncertain significance. Last evaluated: 2024-03-14. Review status: criteria provided, single submitter. Criteria: GeneDx Variant Classification Process June 2021. Collection method: clinical testing. Allele origin: germline. Affected: yes.
Comment: Not observed at significant frequency in large population cohorts (gnomAD); In silico analysis supports that this missense variant does not alter protein structure/function; Has not been previously published as pathogenic or benign to our knowledge

NM_015046.7(SETX):c.409C>G (p.Leu137Val)

Gene: SETX (senataxin; minus strand). Cytogenetic location: 9q34.13.
Variant type: single nucleotide variant.
Coding change: c.409C>G on transcript NM_015046.7 (MANE Select); coding-DNA position 409, C replaced by G.
Protein change: p.Leu137Val; replaces leucine 137 with valine.
Molecular consequence: missense variant.
Genome position (GRCh38, 1-based): chr9:132,342,779, G>C on the plus strand (C>G on the coding strand, the complement: SETX is on the minus strand). VCF-style: chr9-132342779-G-C. GRCh37 (hg19) VCF-style: chr9-135218166-G-C.
Other names: c.409C>G, p.Leu137Val (NM_001351527.2, NM_001351528.2); short protein forms L137V.
Identifiers: ClinVar variation 3370978 (VCV003370978.3).
Genomic context (GRCh38, chr9:132,342,779, plus strand): 5'-AGATCCCTGGATGTTTATCAAACACCTGAAAGGAGCAATTGGCTTGTTCCATCCGACAAA[G>C]TGCTTCAACACATAACTCGTCTAAAAAGAAAAAAATAAGTAAAATACATAAATCTTATCA-3'
Protein context (NP_055861.3, residues 127-147): ERVNELCVEA[Leu137Val]CRMEQANCSF